The following is an entry in ClinVar:

NM_002907.4(RECQL):c.1685C>T (p.Thr562Ile)

Genes: PYROXD1 (pyridine nucleotide-disulphide oxidoreductase domain 1; plus strand), RECQL (RecQ like helicase; minus strand). Cytogenetic location: 12p12.1.
Variant type: single nucleotide variant.
Coding change: c.1685C>T on transcript NM_002907.4 (MANE Select); coding-DNA position 1685, C replaced by T.
Protein change: p.Thr562Ile; replaces threonine 562 with isoleucine.
Molecular consequence: missense variant. On other transcripts: 3 prime UTR variant (3).
Genome position (GRCh38, 1-based): chr12:21,471,081, G>A on the plus strand (C>T on the coding strand, the complement: RECQL is on the minus strand). VCF-style: chr12-21471081-G-A. GRCh37 (hg19) VCF-style: chr12-21624015-G-A.
Other names: c.1685C>T, p.Thr562Ile (NM_032941.3); c.*2327G>A (NM_001350912.2, NM_001350913.2, NM_024854.5); short protein forms T562I.
Identifiers: ClinVar variation 3222946 (VCV003222946.1), dbSNP rs1249241286, ClinGen allele CA384114734.

ClinVar aggregate classification (germline): Uncertain significance (1 of 4 stars; one submission).

Submission:

Ambry Genetics
Classification: Uncertain significance. Last evaluated: 2023-10-17. Review status: criteria provided, single submitter. Criteria: Ambry Variant Classification Scheme 2023. Collection method: clinical testing. Allele origin: germline.
Comment: The p.T562I variant (also known as c.1685C>T), located in coding exon 13 of the RECQL gene, results from a C to T substitution at nucleotide position 1685. The threonine at codon 562 is replaced by isoleucine, an amino acid with similar properties. In a study of 448 unrelated familial breast cancer patients, this variant was seen in 1/448 patients and 0/748 unrelated female healthy controls. (Sun J et al. PLoS Genet, 2015 May;11:e1005228). This amino acid position is highly conserved in available vertebrate species. In addition, this alteration is predicted to be tolerated by in silico analysis. The evidence for this gene-disease relationship is limited; therefore, the clinical significance of this alteration is unclear.

Literature cited by the submitters: PubMed 25945795.